The following is an entry in ClinVar:

NM_006096.4(NDRG1):c.350A>T (p.Gln117Leu)

Gene: NDRG1 (N-myc downstream regulated 1; minus strand). Cytogenetic location: 8q24.22.
Variant type: single nucleotide variant.
Coding change: c.350A>T on transcript NM_006096.4 (MANE Select); coding-DNA position 350, A replaced by T.
Protein change: p.Gln117Leu; replaces glutamine 117 with leucine.
Molecular consequence: missense variant.
Genome position (GRCh38, 1-based): chr8:133,259,207, T>A on the plus strand (A>T on the coding strand, the complement: NDRG1 is on the minus strand). VCF-style: chr8-133259207-T-A. GRCh37 (hg19) VCF-style: chr8-134271450-T-A.
Other names: c.350A>T, p.Gln117Leu (NM_001135242.2, NM_001374844.1, NM_001374845.1 and 1 more transcripts); c.152A>T, p.Gln51Leu (NM_001258432.2, NM_001374847.1); c.107A>T, p.Gln36Leu (NM_001258433.2); short protein forms Q117L, Q36L, Q51L.
Identifiers: ClinVar variation 1051626 (VCV001051626.9), dbSNP rs2130727461, ClinGen allele CA372256069.

ClinVar aggregate classification (germline): Uncertain significance (1 of 4 stars; one submission).

Conditions:
Charcot-Marie-Tooth disease type 4. Also called: Charcot-Marie-Tooth disease, type IV; Charcot-Marie-Tooth, Type 4. Identifiers: Orphanet 64749, MedGen C4082197, MONDO:0018995.

Allele frequency attached by ClinVar (database versions not stated): gnomAD exomes below 0.00001.
gnomAD v4.1: 1 of 1,614,238 alleles (0.000062%); highest among the groups gnomAD compares: African/African-American, 0.0013%; no homozygotes.

Submission:

Labcorp Genetics (formerly Invitae), Labcorp
Classification: Uncertain significance for Charcot-Marie-Tooth disease type 4. Last evaluated: 2020-02-02. Review status: criteria provided, single submitter. Criteria: Invitae Variant Classification Sherloc (09022015). Collection method: clinical testing. Allele origin: germline.
Comment: This variant is not present in population databases (ExAC no frequency). This sequence change replaces glutamine with leucine at codon 117 of the NDRG1 protein (p.Gln117Leu). The glutamine residue is moderately conserved and there is a moderate physicochemical difference between glutamine and leucine. This variant has not been reported in the literature in individuals with NDRG1-related conditions. In summary, the available evidence is currently insufficient to determine the role of this variant in disease. Therefore, it has been classified as a Variant of Uncertain Significance. Algorithms developed to predict the effect of missense changes on protein structure and function (SIFT, PolyPhen-2, Align-GVGD) all suggest that this variant is likely to be tolerated, but these predictions have not been confirmed by published functional studies and their clinical significance is uncertain.